The following is an entry in ClinVar:

ClinVar aggregate classification (germline): Uncertain significance. Review status: criteria provided, multiple submitters, no conflicts (2 of 4 stars). 2 submissions from 2 submitters: Uncertain significance (2). Last evaluated 2024-12-29.

Allele frequency attached by ClinVar (database versions not stated): gnomAD exomes below 0.00001 and 0.00001; TOPMed 0.00002; gnomAD 0.00003 and 0.00004.
gnomAD v4.1: 20 of 1,613,646 alleles (0.0012%); highest among the groups gnomAD compares: African/African-American, 0.004%; no homozygotes.

Submissions (2):

Labcorp Genetics (formerly Invitae), Labcorp
Classification: Uncertain significance. Last evaluated: 2024-12-29. Review status: criteria provided, single submitter. Criteria: Invitae Variant Classification Sherloc (09022015). Collection method: clinical testing. Allele origin: germline.
Comment: This sequence change replaces arginine, which is basic and polar, with glutamine, which is neutral and polar, at codon 1077 of the SAMD9 protein (p.Arg1077Gln). This variant is present in population databases (no rsID available, gnomAD 0.004%). This variant has not been reported in the literature in individuals affected with SAMD9-related conditions. ClinVar contains an entry for this variant (Variation ID: 1388242). Invitae Evidence Modeling of protein sequence and biophysical properties (such as structural, functional, and spatial information, amino acid conservation, physicochemical variation, residue mobility, and thermodynamic stability) indicates that this missense variant is not expected to disrupt SAMD9 protein function with a negative predictive value of 95%. In summary, the available evidence is currently insufficient to determine the role of this variant in disease. Therefore, it has been classified as a Variant of Uncertain Significance.

GeneDx
Classification: Uncertain significance. Last evaluated: 2022-11-03. Review status: criteria provided, single submitter. Criteria: GeneDx Variant Classification Process June 2021. Collection method: clinical testing. Allele origin: germline. Affected: yes.
Comment: Not observed at significant frequency in large population cohorts (gnomAD); In silico analysis supports that this missense variant does not alter protein structure/function; Has not been previously published as pathogenic or benign to our knowledge; This variant is associated with the following publications: (PMID: 28545555)

NM_017654.4(SAMD9):c.3230G>A (p.Arg1077Gln)

Gene: SAMD9 (sterile alpha motif domain containing 9; minus strand). Cytogenetic location: 7q21.2.
Variant type: single nucleotide variant.
Coding change: c.3230G>A on transcript NM_017654.4 (MANE Select); coding-DNA position 3230, G replaced by A.
Protein change: p.Arg1077Gln; replaces arginine 1077 with glutamine.
Molecular consequence: missense variant.
Genome position (GRCh38, 1-based): chr7:93,102,868, C>T on the plus strand (G>A on the coding strand, the complement: SAMD9 is on the minus strand). VCF-style: chr7-93102868-C-T. GRCh37 (hg19) VCF-style: chr7-92732181-C-T.
Other names: c.3230G>A (NM_017654.3); c.3230G>A, p.Arg1077Gln (NM_001193307.2); short protein forms R1077Q.
Identifiers: ClinVar variation 1388242 (VCV001388242.7), dbSNP rs1249495254, ClinGen allele CA368188472.